The following is an entry in ClinVar:

NM_002857.4(PEX19):c.41C>T (p.Ala14Val)

Gene: PEX19 (peroxisomal biogenesis factor 19; minus strand). Cytogenetic location: 1q23.2.
Variant type: single nucleotide variant.
Coding change: c.41C>T on transcript NM_002857.4 (MANE Select); coding-DNA position 41, C replaced by T.
Protein change: p.Ala14Val; replaces alanine 14 with valine.
Molecular consequence: missense variant. On other transcripts: non-coding transcript variant (2).
Genome position (GRCh38, 1-based): chr1:160,285,084, G>A on the plus strand (C>T on the coding strand, the complement: PEX19 is on the minus strand). VCF-style: chr1-160285084-G-A. GRCh37 (hg19) VCF-style: chr1-160254874-G-A.
Other names: c.41C>T, p.Ala14Val (NM_001193644.1); short protein forms A14V.
Identifiers: ClinVar variation 938514 (VCV000938514.9), dbSNP rs1657957953, ClinGen allele CA343265899.

ClinVar aggregate classification (germline): Uncertain significance (1 of 4 stars; one submission).

Conditions:
Peroxisome biogenesis disorder 12A (Zellweger). Also called: Peroxisome biogenesis disorder 12A. Identifiers: Orphanet 912, MedGen C3554002, MONDO:0013951, OMIM 614886.

Submission:

Labcorp Genetics (formerly Invitae), Labcorp
Classification: Uncertain significance for Peroxisome biogenesis disorder 12A (Zellweger). Last evaluated: 2022-08-15. Review status: criteria provided, single submitter. Criteria: Invitae Variant Classification Sherloc (09022015). Collection method: clinical testing. Allele origin: germline.
Comment: In summary, the available evidence is currently insufficient to determine the role of this variant in disease. Therefore, it has been classified as a Variant of Uncertain Significance. Algorithms developed to predict the effect of missense changes on protein structure and function (SIFT, PolyPhen-2, Align-GVGD) all suggest that this variant is likely to be tolerated. This sequence change replaces alanine, which is neutral and non-polar, with valine, which is neutral and non-polar, at codon 14 of the PEX19 protein (p.Ala14Val). This variant is not present in population databases (gnomAD no frequency). This variant has not been reported in the literature in individuals affected with PEX19-related conditions. ClinVar contains an entry for this variant (Variation ID: 938514).